The following is an entry in ClinVar:

NM_021072.4(HCN1):c.1742G>C (p.Arg581Thr)

Gene: HCN1 (hyperpolarization activated cyclic nucleotide gated potassium channel 1; minus strand). Cytogenetic location: 5p12.
Variant type: single nucleotide variant.
Coding change: c.1742G>C on transcript NM_021072.4 (MANE Select); coding-DNA position 1742, G replaced by C.
Protein change: p.Arg581Thr; replaces arginine 581 with threonine.
Molecular consequence: missense variant.
Genome position (GRCh38, 1-based): chr5:45,267,130, C>G on the plus strand (G>C on the coding strand, the complement: HCN1 is on the minus strand). VCF-style: chr5-45267130-C-G. GRCh37 (hg19) VCF-style: chr5-45267232-C-G.
Other names: short protein forms R581T.
Identifiers: ClinVar variation 2879605 (VCV002879605.3), dbSNP rs1248907862, ClinGen allele CA359705740.

ClinVar aggregate classification (germline): Uncertain significance (1 of 4 stars; one submission).

Conditions:
Early-infantile DEE. Also called: Ohtahara syndrome; Early infantile epileptic encephalopathy; Early infantile epileptic encephalopathy with suppression bursts. Identifiers: Orphanet 1934, MedGen C0393706, MONDO:0800491.

gnomAD v4.1: 3 of 1,613,954 alleles (0.00019%); highest among the groups gnomAD compares: Admixed American, 0.0017%; no homozygotes.

Submission:

Labcorp Genetics (formerly Invitae), Labcorp
Classification: Uncertain significance for Early-infantile DEE. Last evaluated: 2023-06-10. Review status: criteria provided, single submitter. Criteria: Invitae Variant Classification Sherloc (09022015). Collection method: clinical testing. Allele origin: germline.
Comment: Advanced modeling of protein sequence and biophysical properties (such as structural, functional, and spatial information, amino acid conservation, physicochemical variation, residue mobility, and thermodynamic stability) performed at Invitae indicates that this missense variant is expected to disrupt HCN1 protein function. In summary, the available evidence is currently insufficient to determine the role of this variant in disease. Therefore, it has been classified as a Variant of Uncertain Significance. This variant has not been reported in the literature in individuals affected with HCN1-related conditions. This variant is present in population databases (no rsID available, gnomAD 0.003%). This sequence change replaces arginine, which is basic and polar, with threonine, which is neutral and polar, at codon 581 of the HCN1 protein (p.Arg581Thr).